The following is an entry in ClinVar:

NM_006295.3(VARS1):c.2119C>T (p.Arg707Cys)

Gene: VARS1 (valyl-tRNA synthetase 1; minus strand). Cytogenetic location: 6p21.33.
Variant type: single nucleotide variant.
Coding change: c.2119C>T on transcript NM_006295.3 (MANE Select); coding-DNA position 2119, C replaced by T.
Protein change: p.Arg707Cys; replaces arginine 707 with cysteine.
Molecular consequence: missense variant.
Genome position (GRCh38, 1-based): chr6:31,782,316, G>A on the plus strand (C>T on the coding strand, the complement: VARS1 is on the minus strand). VCF-style: chr6-31782316-G-A. GRCh37 (hg19) VCF-style: chr6-31750093-G-A.
Other names: short protein forms R707C.
Identifiers: ClinVar variation 2662923 (VCV002662923.1), dbSNP rs1438741334, ClinGen allele CA363455045.
Genomic context (GRCh38, chr6:31,782,316, plus strand): 5'-GCCCCTCCCACACTGAGGACCCTACACACCGGATGTTGTCCATCCAGGCATGCCATGTGC[G>A]CTGATGGGCCTCAGGCAGGATGCGGAGGTCACCCCGAGTCACAGCGGCGCTGGCAGCCTG-3'
Protein context (NP_006286.1, residues 697-717): DLRILPEAHQ[Arg707Cys]TWHAWMDNIR

ClinVar aggregate classification (germline): Uncertain significance (1 of 4 stars; one submission).

Allele frequency attached by ClinVar (database versions not stated): gnomAD exomes below 0.00001.
gnomAD v4.1: 6 of 1,613,000 alleles (0.00037%); highest among the groups gnomAD compares: South Asian, 0.0011%; no homozygotes.

Submission:

GeneDx
Classification: Uncertain significance. Last evaluated: 2023-05-05. Review status: criteria provided, single submitter. Criteria: GeneDx Variant Classification Process June 2021. Collection method: clinical testing. Allele origin: germline. Affected: yes.
Comment: Not observed at significant frequency in large population cohorts (gnomAD); In silico analysis supports that this missense variant has a deleterious effect on protein structure/function; Has not been previously published as pathogenic or benign to our knowledge